The following is an entry in ClinVar:

NM_001173467.3(SP7):c.1142C>T (p.Pro381Leu)

Gene: SP7 (Sp7 transcription factor; minus strand). Cytogenetic location: 12q13.13.
Variant type: single nucleotide variant.
Coding change: c.1142C>T on transcript NM_001173467.3 (MANE Select); coding-DNA position 1142, C replaced by T.
Protein change: p.Pro381Leu; replaces proline 381 with leucine.
Molecular consequence: missense variant.
Genome position (GRCh38, 1-based): chr12:53,328,300, G>A on the plus strand (C>T on the coding strand, the complement: SP7 is on the minus strand). VCF-style: chr12-53328300-G-A. GRCh37 (hg19) VCF-style: chr12-53722084-G-A.
Other names: c.1088C>T, p.Pro363Leu (NM_001300837.2); c.1142C>T, p.Pro381Leu (NM_152860.2); c.1142C>T (NM_001173467.1); short protein forms P381L, P363L.
Identifiers: ClinVar variation 1358523 (VCV001358523.4), dbSNP rs760846224, ClinGen allele CA6599452.
Genomic context (GRCh38, chr12:53,328,300, plus strand): 5'-TCCTCTTCCCCCGTGCTGCGGCCCTCCCCCAGCTCCTTGGGGCCACTGGGAGGGGGACCC[G>A]GGCCTGGTTCTCCATGGGTGCGCTGGTGTTTGCTCAGGTGGTCGCTTCGGGTAAAGCGCT-3'
Protein context (NP_001166938.1, residues 371-391): KHQRTHGEPG[Pro381Leu]GPPPSGPKEL

ClinVar aggregate classification (germline): Uncertain significance. Review status: criteria provided, multiple submitters, no conflicts (2 of 4 stars). 2 submissions from 2 submitters: Uncertain significance (2). Last evaluated 2025-03-21.

Allele frequency attached by ClinVar (database versions not stated): gnomAD 0.00003 and 0.00002; TOPMed 0.00005; gnomAD exomes 0.00003 and 0.00007; ExAC 0.00009.
gnomAD v4.1: 51 of 1,610,738 alleles (0.0032%); highest among the groups gnomAD compares: South Asian, 0.041%; no homozygotes.

Submissions (2):

Ambry Genetics
Classification: Uncertain significance. Last evaluated: 2025-03-21. Review status: criteria provided, single submitter. Criteria: Ambry Variant Classification Scheme 2023. Collection method: clinical testing. Allele origin: germline.

Labcorp Genetics (formerly Invitae), Labcorp
Classification: Uncertain significance. Last evaluated: 2021-08-28. Review status: criteria provided, single submitter. Criteria: Invitae Variant Classification Sherloc (09022015). Collection method: clinical testing. Allele origin: germline.
Comment: This sequence change replaces proline with leucine at codon 381 of the SP7 protein (p.Pro381Leu). The proline residue is moderately conserved and there is a moderate physicochemical difference between proline and leucine. This variant is present in population databases (rs760846224, ExAC 0.07%). This variant has not been reported in the literature in individuals affected with SP7-related conditions. Algorithms developed to predict the effect of missense changes on protein structure and function are either unavailable or do not agree on the potential impact of this missense change (SIFT: "Deleterious"; PolyPhen-2: "Benign"; Align-GVGD: "Class C0"). In summary, the available evidence is currently insufficient to determine the role of this variant in disease. Therefore, it has been classified as a Variant of Uncertain Significance.